The following is an entry in ClinVar:

NM_022124.6(CDH23):c.9077+8G>A

Gene: CDH23 (cadherin related 23; plus strand). Cytogenetic location: 10q22.1.
Variant type: single nucleotide variant.
Coding change: c.9077+8G>A on transcript NM_022124.6 (MANE Select); 8 bases into the intron after coding-DNA position 9077, G replaced by A.
Molecular consequence: intron variant.
Genome position (GRCh38, 1-based): chr10:71,810,577, G>A. VCF-style: chr10-71810577-G-A. GRCh37 (hg19) VCF-style: chr10-73570334-G-A.
Other names: p.?; c.2357+8G>A (NM_001171933.1, NM_001171934.1).
Identifiers: ClinVar variation 46068 (VCV000046068.24), dbSNP rs11818398, ClinGen allele CA137630.

ClinVar aggregate classification (germline): Benign. Review status: criteria provided, multiple submitters, no conflicts (2 of 4 stars). 11 submissions from 9 submitters: Benign (10). 1 of the submissions does not count toward it. Last evaluated 2026-02-04.

Conditions:
Usher syndrome type 1 (USH1). Also called: RETINITIS PIGMENTOSA AND CONGENITAL DEAFNESS. Identifiers: Orphanet 231169, Orphanet 886, MedGen C1568247, MONDO:0010168, OMIM 276900.
Autosomal recessive nonsyndromic hearing loss 12. Also called: DEAFNESS, AUTOSOMAL RECESSIVE 12. Identifiers: Orphanet 90636, MedGen C1832394, MONDO:0011067, OMIM 601386.
Usher syndrome type 1D (USH1D). Also called: USHER SYNDROME, TYPE ID. Identifiers: Orphanet 231169, Orphanet 886, MedGen C1832845, MONDO:0010984, OMIM 601067.

Allele frequency attached by ClinVar (database versions not stated): 1000 Genomes Project 30x 0.14678; 1000 Genomes Project 0.14856; TOPMed 0.14344; ESP Exome Variant Server 0.14833; gnomAD 0.15161 and 0.15217.
gnomAD v4.1: 292,669 of 1,612,384 alleles (18%); highest among the groups gnomAD compares: East Asian, 27%; 27,803 homozygotes.

Submissions (11):

Labcorp Genetics (formerly Invitae), Labcorp
Classification: Benign. Last evaluated: 2026-02-04. Review status: criteria provided, single submitter. Criteria: Invitae Variant Classification Sherloc (09022015). Collection method: clinical testing. Allele origin: germline.

Genome-Nilou Lab
Classification: Benign for Usher syndrome type 1D. Last evaluated: 2021-07-01. Review status: criteria provided, single submitter. Criteria: ACMG Guidelines, 2015. Collection method: clinical testing. Allele origin: germline. Affected: no.

Genome-Nilou Lab
Classification: Benign for Autosomal recessive nonsyndromic hearing loss 12. Last evaluated: 2021-07-01. Review status: criteria provided, single submitter. Criteria: ACMG Guidelines, 2015. Collection method: clinical testing. Allele origin: germline. Affected: no.

Mayo Clinic Laboratories, Mayo Clinic
Classification: Benign. Last evaluated: 2020-10-01. Review status: criteria provided, single submitter. Criteria: ACMG Guidelines, 2015. Collection method: clinical testing. Allele origin: germline. Observed: 52 variant alleles.

Illumina Laboratory Services, Illumina
Classification: Benign for Autosomal recessive nonsyndromic hearing loss 12. Last evaluated: 2018-01-13. Review status: criteria provided, single submitter. Criteria: ICSL Variant Classification Criteria 13 December 2019. Collection method: clinical testing. Allele origin: germline.
Comment: This variant was observed in the ICSL laboratory as part of a predisposition screen in an ostensibly healthy population. It had not been previously curated by ICSL or reported in the Human Gene Mutation Database (HGMD: prior to June 1st, 2018), and was therefore a candidate for classification through an automated scoring system. Utilizing variant allele frequency, disease prevalence and penetrance estimates, and inheritance mode, an automated score was calculated to assess if this variant is too frequent to cause the disease. Based on the score and internal cut-off values, a variant classified as benign is not then subjected to further curation. The score for this variant resulted in a classification of benign for this disease.

Illumina Laboratory Services, Illumina
Classification: Benign for Usher syndrome type 1D. Last evaluated: 2018-01-13. Review status: criteria provided, single submitter. Criteria: ICSL Variant Classification Criteria 13 December 2019. Collection method: clinical testing. Allele origin: germline.
Comment: the same text as in the submission from Illumina Laboratory Services, Illumina above.

GeneDx
Classification: Benign. Last evaluated: 2013-01-08. Review status: criteria provided, single submitter. Criteria: GeneDx Variant Classification (06012015). Collection method: clinical testing. Allele origin: germline. Affected: yes.
Comment: This variant is considered likely benign or benign based on one or more of the following criteria: it is a conservative change, it occurs at a poorly conserved position in the protein, it is predicted to be benign by multiple in silico algorithms, and/or has population frequency not consistent with disease.

Laboratory for Molecular Medicine, Mass General Brigham Personalized Medicine
Classification: Benign. Last evaluated: 2009-06-12. Review status: criteria provided, single submitter. Criteria: LMM Criteria. Collection method: clinical testing. Allele origin: germline. Observed: 577 variant alleles.

Breakthrough Genomics
Classification: Benign. Review status: criteria provided, single submitter. Criteria: ACMG Guidelines, 2015. Collection method: not provided. Allele origin: germline. Inheritance: Autosomal recessive inheritance. Affected: yes.

PreventionGenetics, part of Exact Sciences
Classification: Benign. Review status: criteria provided, single submitter. Criteria: ACMG Guidelines, 2015. Collection method: clinical testing. Allele origin: germline.

Natera, Inc.
Classification: Benign for Usher syndrome type 1. Last evaluated: 2020-09-16. Review status: no assertion criteria provided. Collection method: clinical testing. Allele origin: germline. Not counted in ClinVar's aggregate classification.